The following is an entry in ClinVar:

ClinVar aggregate classification (germline): Uncertain significance. Review status: criteria provided, multiple submitters, no conflicts (2 of 4 stars). 2 submissions from 2 submitters: Uncertain significance (2). Last evaluated 2025-09-01.

Conditions:
Inborn genetic diseases. Identifiers: MedGen C0950123, MeSH D030342.
Acrocallosal syndrome (ACLS). Also called: HALLUX DUPLICATION, POSTAXIAL POLYDACTYLY, AND ABSENCE OF CORPUS CALLOSUM; Schinzel syndrome 1; Absence of corpus callosum with unusual facial appearance, mental deficiency, duplication of the halluces and polydactyly. Identifiers: Orphanet 36, MedGen C0796147, MONDO:0008708, OMIM 200990.

Allele frequency attached by ClinVar (database versions not stated): gnomAD 0.00002; TOPMed 0.00004.
gnomAD v4.1: 27 of 1,555,526 alleles (0.0017%); highest among the groups gnomAD compares: African/African-American, 0.0082%; no homozygotes.

Submissions (2):

Ambry Genetics
Classification: Uncertain significance for Inborn genetic diseases. Last evaluated: 2025-09-01. Review status: criteria provided, single submitter. Criteria: Ambry Variant Classification Scheme 2023. Collection method: clinical testing. Allele origin: germline.

Labcorp Genetics (formerly Invitae), Labcorp
Classification: Uncertain significance for Acrocallosal syndrome. Last evaluated: 2024-10-26. Review status: criteria provided, single submitter. Criteria: Invitae Variant Classification Sherloc (09022015). Collection method: clinical testing. Allele origin: germline.
Comment: This sequence change replaces arginine, which is basic and polar, with glutamine, which is neutral and polar, at codon 973 of the KIF7 protein (p.Arg973Gln). The frequency data for this variant in the population databases is considered unreliable, as metrics indicate poor data quality at this position in the gnomAD database. This variant has not been reported in the literature in individuals affected with KIF7-related conditions. ClinVar contains an entry for this variant (Variation ID: 1363850). Invitae Evidence Modeling of protein sequence and biophysical properties (such as structural, functional, and spatial information, amino acid conservation, physicochemical variation, residue mobility, and thermodynamic stability) indicates that this missense variant is not expected to disrupt KIF7 protein function with a negative predictive value of 80%. In summary, the available evidence is currently insufficient to determine the role of this variant in disease. Therefore, it has been classified as a Variant of Uncertain Significance.

NM_198525.3(KIF7):c.2918G>A (p.Arg973Gln)

Gene: KIF7 (kinesin family member 7; minus strand). Cytogenetic location: 15q26.1.
Variant type: single nucleotide variant.
Coding change: c.2918G>A on transcript NM_198525.3 (MANE Select); coding-DNA position 2918, G replaced by A.
Protein change: p.Arg973Gln; replaces arginine 973 with glutamine.
Molecular consequence: missense variant.
Genome position (GRCh38, 1-based): chr15:89,631,688, C>T on the plus strand (G>A on the coding strand, the complement: KIF7 is on the minus strand). VCF-style: chr15-89631688-C-T. GRCh37 (hg19) VCF-style: chr15-90174919-C-T.
Other names: c.2918G>A (NM_198525.2); short protein forms R973Q.
Identifiers: ClinVar variation 1363850 (VCV001363850.8), dbSNP rs762483775, ClinGen allele CA7727880.
Genomic context (GRCh38, chr15:89,631,688, plus strand): 5'-CGCAGCTGCCCGCTCTTCTCGGACAGCTCCTTCTCCAGGTGCTCCAGCCGGCTGGACACT[C>T]GCACGATGTCCTCGTTGAGGGCCTGGGGGCAGAATCACCAGGGATTAGAGAAGGAACAGG-3'
Protein context (NP_940927.2, residues 963-983): SSQALNEDIV[Arg973Gln]VSSRLEHLEK